The following is an entry in ClinVar:

ClinVar aggregate classification (germline): Conflicting classifications of pathogenicity. Review status: criteria provided, conflicting classifications (1 of 4 stars). 5 submissions from 5 submitters: Uncertain significance (2); Likely benign (3). Last evaluated 2026-08-01.

Conditions:
Peroxisome biogenesis disorder 8A (Zellweger). Also called: Peroxisome biogenesis disorder 8A. Identifiers: Orphanet 912, MedGen C3553959, MONDO:0013942, OMIM 614876.
Peroxisome biogenesis disorder. Identifiers: Orphanet 79189, MedGen C1832200, MONDO:0019234. Disease mechanism: loss of function.

Allele frequency attached by ClinVar (database versions not stated): gnomAD exomes 0.00017 and 0.00038; 1000 Genomes Project 0.00020; gnomAD 0.00024; 1000 Genomes Project 30x 0.00031; ExAC 0.00031; ESP Exome Variant Server 0.00031; TOPMed 0.00031.
gnomAD v4.1: 328 of 1,613,804 alleles (0.02%); highest among the groups gnomAD compares: Middle Eastern, 0.017%; no homozygotes.

Submissions (5):

CeGaT Center for Human Genetics Tuebingen
Classification: Likely benign. Last evaluated: 2026-08-01. Review status: criteria provided, single submitter. Criteria: CeGaT Center For Human Genetics Tuebingen Variant Classification Criteria Version 2. Collection method: clinical testing. Allele origin: germline. Affected: yes. Observed: 2 variant alleles.
Comment: PEX16: BP4, BP7

Labcorp Genetics (formerly Invitae), Labcorp
Classification: Likely benign for Peroxisome biogenesis disorder. Last evaluated: 2026-01-28. Review status: criteria provided, single submitter. Criteria: Invitae Variant Classification Sherloc (09022015). Collection method: clinical testing. Allele origin: germline.

Blueprint Genetics
Classification: Likely benign. Last evaluated: 2024-11-27. Review status: criteria provided, single submitter. Criteria: ACMG Guidelines, 2015. Collection method: clinical testing. Allele origin: germline.

Illumina Laboratory Services, Illumina
Classification: Uncertain significance for Peroxisome biogenesis disorder 8A (Zellweger). Last evaluated: 2018-01-12. Review status: criteria provided, single submitter. Criteria: ICSL Variant Classification Criteria 13 December 2019. Collection method: clinical testing. Allele origin: germline.

Eurofins Ntd Llc (ga)
Classification: Uncertain significance. Last evaluated: 2016-03-14. Review status: criteria provided, single submitter. Criteria: EGL Classification Definitions 2015. Collection method: clinical testing. Allele origin: germline. Observed: 3 variant alleles, 3 heterozygotes.

NM_004813.4(PEX16):c.1002T>C (p.Ser334=)

Gene: PEX16 (peroxisomal biogenesis factor 16; minus strand). Cytogenetic location: 11p11.2.
Variant type: single nucleotide variant.
Coding change: c.1002T>C on transcript NM_004813.4 (MANE Select); coding-DNA position 1002, T replaced by C.
Protein change: p.Ser334=; no amino-acid change (serine 334 retained).
Molecular consequence: synonymous variant. On other transcripts: intron variant (1).
Genome position (GRCh38, 1-based): chr11:45,910,263, A>G on the plus strand (T>C on the coding strand, the complement: PEX16 is on the minus strand). VCF-style: chr11-45910263-A-G. GRCh37 (hg19) VCF-style: chr11-45931814-A-G.
Other names: c.953-86T>C (NM_057174.3).
Identifiers: ClinVar variation 286888 (VCV000286888.26), dbSNP rs144897515, ClinGen allele CA5959717.